The following is an entry in ClinVar:

ClinVar aggregate classification (germline): Uncertain significance (1 of 4 stars; one submission).

Allele frequency attached by ClinVar (database versions not stated): TOPMed below 0.00001; ExAC 0.00001; gnomAD exomes 0.00002; ESP Exome Variant Server 0.00008.
gnomAD v4.1: 28 of 1,613,564 alleles (0.0017%); highest among the groups gnomAD compares: Non-Finnish European, 0.0023%; no homozygotes.

Submission:

GeneDx
Classification: Uncertain significance. Last evaluated: 2023-08-04. Review status: criteria provided, single submitter. Criteria: GeneDx Variant Classification Process June 2021. Collection method: clinical testing. Allele origin: germline. Affected: yes.
Comment: Not observed at significant frequency in large population cohorts (gnomAD); In silico analysis supports that this missense variant does not alter protein structure/function; Has not been previously published as pathogenic or benign to our knowledge

NM_014244.5(ADAMTS2):c.2467G>A (p.Val823Met)

Gene: ADAMTS2 (ADAM metallopeptidase with thrombospondin type 1 motif 2; minus strand). Cytogenetic location: 5q35.3.
Variant type: single nucleotide variant.
Coding change: c.2467G>A on transcript NM_014244.5 (MANE Select); coding-DNA position 2467, G replaced by A.
Protein change: p.Val823Met; replaces valine 823 with methionine.
Molecular consequence: missense variant.
Genome position (GRCh38, 1-based): chr5:179,128,109, C>T on the plus strand (G>A on the coding strand, the complement: ADAMTS2 is on the minus strand). VCF-style: chr5-179128109-C-T. GRCh37 (hg19) VCF-style: chr5-178555110-C-T.
Other names: short protein forms V823M.
Identifiers: ClinVar variation 3252175 (VCV003252175.1), dbSNP rs373287507.
Genomic context (GRCh38, chr5:179,128,109, plus strand): 5'-CATTCAGTGAGTCCTCATGGATCATGTATTTGTACGTCAGTGAGACCCGGGTGTCTCCCA[C>T]CGGGATGACCTGTGCCAGCCCAAGAGCCTTGATGTGCCTGACCTGCCCTCCATGCTTCCT-3'
Protein context (NP_055059.2, residues 813-833): HGTITVLVIP[Val823Met]GDTRVSLTYK